The following is an entry in ClinVar:

ClinVar aggregate classification (germline): Benign. Review status: criteria provided, single submitter (1 of 4 stars). 2 submissions from 2 submitters: Benign (1). 1 of the submissions does not count toward it. Last evaluated 2019-10-17.

Conditions:
Leber optic atrophy (LHON). Also called: Optic Atrophy, Hereditary, Leber; Leber hereditary optic neuropathy; Leber's disease; Leber's optic atrophy. Identifiers: Orphanet 104, MedGen C0917796, MONDO:0010788, OMIM 535000, HP:0001112.
Leigh syndrome (NULS). Also called: Leigh Syndrome (mtDNA deletion); Leigh Disease; Subacute necrotizing encephalopathy; Necrotizing encephalopathy infantile subacute of Leigh; Leigh's necrotizing encephalopathy; Leigh's disease. Identifiers: Orphanet 506, MedGen C2931891, MONDO:0009723, OMIM 256000.

Submissions (2):

Wong Mito Lab, Molecular and Human Genetics, Baylor College of Medicine
Classification: Benign for Leigh syndrome. Last evaluated: 2019-10-17. Review status: criteria provided, single submitter. Criteria: Modified ACMG Guidelines (Unpublished). Collection method: clinical testing. Allele origin: germline.
Comment: The NC_012920.1:m.12338T>C (YP_003024036.1:p.Met1?) variant in MTND5 gene is interpretated to be a Benign variant based on the modified ACMG guidelines (unpublished). This variant meets the following evidence codes: BS1, BS2

OMIM
Classification: Pathogenic for LEBER OPTIC ATROPHY. Last evaluated: 2011-05-01. Review status: no assertion criteria provided. Collection method: literature only. Allele origin: germline. Not counted in ClinVar's aggregate classification.

Literature cited by the submitters: PubMed 21131053 (cited by OMIM).

NC_012920.1(MT-ND5):m.12338T>C

Gene: MT-ND5 (mitochondrially encoded NADH dehydrogenase 5; plus strand).
Variant type: single nucleotide variant.
Genome position: chrM-12338-T-C.
Other names: MTND5, 12338T-C, MET1THR; M1T.
Identifiers: ClinVar variation 29999 (VCV000029999.2), dbSNP rs201863060, ClinGen allele CA259737.